The following is an entry in ClinVar:

NM_001267550.2(TTN):c.98528G>A (p.Trp32843Ter)

Genes: TTN (titin; minus strand), TTN-AS1 (TTN antisense RNA 1; plus strand). Cytogenetic location: 2q31.2.
Variant type: single nucleotide variant.
Coding change: c.98528G>A on transcript NM_001267550.2 (MANE Select); coding-DNA position 98528, G replaced by A.
Protein change: p.Trp32843Ter; replaces tryptophan 32843 with a stop codon.
Molecular consequence: nonsense. On other transcripts: non-coding transcript variant (1).
Genome position (GRCh38, 1-based): chr2:178,539,537, C>T on the plus strand (G>A on the coding strand, the complement: TTN is on the minus strand). VCF-style: chr2-178539537-C-T. GRCh37 (hg19) VCF-style: chr2-179404264-C-T.
Other names: c.93605G>A, p.Trp31202Ter (NM_001256850.1); c.71333G>A, p.Trp23778Ter (NM_003319.4); c.71708G>A, p.Trp23903Ter (NM_133432.3); c.71909G>A, p.Trp23970Ter (NM_133437.4); c.98528G>A (NM_001267550.1); c.90824G>A, p.Trp30275Ter (NM_133378.4); short protein forms W30275*, W32843*, W23903*, W23778*, W23970*, W31202*.
Identifiers: ClinVar variation 178936 (VCV000178936.19), dbSNP rs727504550, ClinGen allele CA273569.

ClinVar aggregate classification (germline): Likely pathogenic. Review status: criteria provided, multiple submitters, no conflicts (2 of 4 stars). 4 submissions from 4 submitters: Likely pathogenic (4). Last evaluated 2025-10-13.

Conditions:
Dilated cardiomyopathy 1G (CMD1G). Identifiers: Orphanet 154, MedGen C1858763, MONDO:0011400, OMIM 604145.
Autosomal recessive limb-girdle muscular dystrophy type 2J (LGMDR10). Also called: Limb-girdle muscular dystrophy, type 2J; MUSCULAR DYSTROPHY, LIMB-GIRDLE, AUTOSOMAL RECESSIVE 10. Identifiers: Orphanet 140922, MedGen C1837342, MONDO:0012127, OMIM 608807.
Primary dilated cardiomyopathy (DCM). Also called: Dilated Cardiomyopathy. Identifiers: Orphanet 217604, MedGen C0007193, MeSH D002311, MONDO:0005021, HP:0001644. Inheritance: Various modes of inheritance.

Submissions (4):

Variantyx, Inc.
Classification: Likely pathogenic for Dilated cardiomyopathy 1G. Last evaluated: 2025-10-13. Review status: criteria provided, single submitter. Criteria: Variantyx Assertion Criteria 2022. Collection method: clinical testing. Allele origin: germline. Inheritance: Autosomal dominant inheritance. Affected: yes.
Comment: This is an intronic variant in the TTN gene (OMIM: 188840). Pathogenic variants in this gene have been associated with autosomal dominant dilated cardiomyopathy 1G. This variant introduces a premature termination codon in exon 352 out of 363and is expected to result in loss of function. This variant is located in the A band of TTN (PMID: 25589632). Truncating variants in this region that are encoded in constitutive exons (PSI >90%) have been found to be significantly associated with dilated cardiomyopathy (PMID: 25589632, 27869827) (PVS1). This variant has been reported in the heterozygous state in one affected individual (PMID: 33996946), while it is absent from control populations (PM2). Based on the current evidence, this variant is classified as likely pathogenic for autosomal dominant dilated cardiomyopathy 1G.

GeneDx
Classification: Likely pathogenic. Last evaluated: 2025-02-25. Review status: criteria provided, single submitter. Criteria: GeneDx Variant Classification Process June 2021. Collection method: clinical testing. Allele origin: germline.
Comment: Nonsense variant predicted to result in protein truncation or nonsense mediated decay in a gene for which loss of function is a known mechanism of disease; Located in the A-band, a region of TTN for which truncating variants are significantly associated with autosomal dominant cardiomyopathy and also with autosomal recessive skeletal myopathies (PMID: 22335739, 32778822); Not observed at significant frequency in large population cohorts (gnomAD); Has not been previously published as pathogenic or benign to our knowledge; This variant is associated with the following publications: (PMID: 22335739, 32778822)

Labcorp Genetics (formerly Invitae), Labcorp
Classification: Likely pathogenic for Dilated cardiomyopathy 1G; Autosomal recessive limb-girdle muscular dystrophy type 2J. Last evaluated: 2025-01-23. Review status: criteria provided, single submitter. Criteria: Invitae Variant Classification Sherloc (09022015). Collection method: clinical testing. Allele origin: germline.
Comment: This sequence change creates a premature translational stop signal (p.Trp32843*) in the TTN gene. While this is not anticipated to result in nonsense mediated decay, it is expected to create a truncated TTN protein. This variant is not present in population databases (gnomAD no frequency). This premature translational stop signal has been observed in individual(s) with dilated cardiomyopathy (PMID: 33996946). ClinVar contains an entry for this variant (Variation ID: 178936). This variant is located in the A band of TTN (PMID: 25589632). Truncating variants in this region are significantly overrepresented in patients affected with dilated cardiomyopathy (PMID: 25589632). Truncating variants in this region have also been reported in individuals affected with autosomal recessive centronuclear myopathy (PMID: 23975875). In summary, the currently available evidence indicates that the variant is pathogenic, but additional data are needed to prove that conclusively. Therefore, this variant has been classified as Likely Pathogenic.

Laboratory for Molecular Medicine, Mass General Brigham Personalized Medicine
Classification: Likely pathogenic for Primary dilated cardiomyopathy. Last evaluated: 2013-04-21. Review status: criteria provided, single submitter. Criteria: LMM Criteria. Collection method: clinical testing. Allele origin: germline. Inheritance: Autosomal dominant inheritance. Observed: 1 variant allele.
Comment: The Trp30275X variant in TTN has not been reported in individuals with cardiomyo pathy or in large population studies. This nonsense variant leads to a premature termination codon at position 30275, which is predicted to lead to a truncated or absent protein. Nonsense and other truncating variants in TTN are strongly as sociated with DCM and the majority occur in the A-band (Herman 2012, LMM unpubli shed data), where this variant is located. In summary, the predicted impact of t his variant suggests that it is likely pathogenic, but additional studies are ne eded to fully establish its clinical significance.

Literature cited by the submitters: PubMed 25589632 (cited by Variantyx, Inc. and Labcorp Genetics (formerly Invitae), Labcorp); PubMed 27869827 (cited by Variantyx, Inc.); PubMed 33996946 (cited by Labcorp Genetics (formerly Invitae), Labcorp); PubMed 23975875 (cited by Labcorp Genetics (formerly Invitae), Labcorp).